The following is an entry in ClinVar:

NM_170606.3(KMT2C):c.7561G>A (p.Asp2521Asn)

Gene: KMT2C (lysine methyltransferase 2C; minus strand). Cytogenetic location: 7q36.1.
Variant type: single nucleotide variant.
Coding change: c.7561G>A on transcript NM_170606.3 (MANE Select); coding-DNA position 7561, G replaced by A.
Protein change: p.Asp2521Asn; replaces aspartic acid 2521 with asparagine.
Molecular consequence: missense variant.
Genome position (GRCh38, 1-based): chr7:152,177,892, C>T on the plus strand (G>A on the coding strand, the complement: KMT2C is on the minus strand). VCF-style: chr7-152177892-C-T. GRCh37 (hg19) VCF-style: chr7-151874977-C-T.
Other names: short protein forms D2521N.
Identifiers: ClinVar variation 1321755 (VCV001321755.2), dbSNP rs2093272527, ClinGen allele CA370086437.

ClinVar aggregate classification (germline): Uncertain significance (1 of 4 stars; one submission).

Allele frequency attached by ClinVar (database versions not stated): TOPMed below 0.00001.

Submission:

GeneDx
Classification: Uncertain significance. Last evaluated: 2021-11-01. Review status: criteria provided, single submitter. Criteria: GeneDx Variant Classification Process June 2021. Collection method: clinical testing. Allele origin: germline. Affected: yes.
Comment: Not observed at significant frequency in large population cohorts (Lek et al., 2016); In silico analysis supports that this missense variant has a deleterious effect on protein structure/function; Has not been previously published as pathogenic or benign to our knowledge